The following is an entry in ClinVar:

NM_000548.5(TSC2):c.1492G>T (p.Glu498Ter)

Gene: TSC2 (TSC complex subunit 2; plus strand). Cytogenetic location: 16p13.3.
Variant type: single nucleotide variant.
Coding change: c.1492G>T on transcript NM_000548.5 (MANE Select); coding-DNA position 1492, G replaced by T.
Protein change: p.Glu498Ter; replaces glutamic acid 498 with a stop codon.
Molecular consequence: nonsense.
Genome position (GRCh38, 1-based): chr16:2,064,320, G>T. VCF-style: chr16-2064320-G-T. GRCh37 (hg19) VCF-style: chr16-2114321-G-T.
Other names: c.1492G>T, p.Glu498Ter (NM_001077183.3, NM_001114382.3, NM_001363528.2 and 3 more transcripts); c.1381G>T, p.Glu461Ter (NM_001318827.2); c.1345G>T, p.Glu449Ter (NM_001318829.2); c.892G>T, p.Glu298Ter (NM_001318831.2); c.1525G>T, p.Glu509Ter (NM_001318832.2); c.1492G>T (NM_000548.4); short protein forms E498*, E449*, E461*, E298*, E509*.
Identifiers: ClinVar variation 49637 (VCV000049637.4), dbSNP rs45517178, ClinGen allele CA014978.

ClinVar aggregate classification (germline): Pathogenic. Review status: criteria provided, multiple submitters, no conflicts (2 of 4 stars). 3 submissions from 3 submitters: Pathogenic (2). 1 of the submissions does not count toward it. Last evaluated 2025-03-31.

Conditions:
TSC2-related disorder. Also called: TSC2-Related Disorders; TSC2-related condition.
Tuberous sclerosis syndrome (TSC). Also called: Tuberous Sclerosis Complex; Tuberous sclerosis. Identifiers: Orphanet 805, MedGen C0041341, MONDO:0001734.
Tuberous sclerosis 2 (TSC2). Identifiers: Orphanet 805, MedGen C1860707, MONDO:0013199, OMIM 613254.

Submissions (3):

PreventionGenetics, part of Exact Sciences
Classification: Pathogenic for TSC2-related condition. Last evaluated: 2025-03-31. Review status: criteria provided, single submitter. Criteria: ACMG Guidelines, 2015. Collection method: clinical testing. Allele origin: germline.
Comment: The TSC2 c.1492G>T variant is predicted to result in premature protein termination (p.Glu498*). This variant has been identified in one individual with tuberous sclerosis (West et al. 2023. PMCID: PMC11918493). This variant has not been reported in a large population database (gnomAD), indicating this variant is rare. This variant is interpreted as pathogenic in ClinVar. Nonsense variants in TSC2 are expected to be pathogenic. This variant is interpreted as pathogenic.

Division of Genomic Medicine, Department of Advanced Medicine, Medical Research Institute, Kanazawa Medical University
Classification: Pathogenic for Tuberous sclerosis 2. Last evaluated: 2022-07-19. Review status: criteria provided, single submitter. Criteria: ACMG Guidelines, 2015. Collection method: clinical testing. Allele origin: germline. Affected: yes. Observed: 1 variant allele.

Tuberous sclerosis database (TSC2)
No classification provided. Condition: TSC. Review status: no classification provided. Criteria: Tuberous Sclerosis Database Assertion Criteria 2015. Collection method: curation. Allele origin: germline. Affected: yes. Not counted in ClinVar's aggregate classification.